The following is an entry in ClinVar:

ClinVar aggregate classification (germline): Uncertain significance (1 of 4 stars; one submission).

Submission:

Labcorp Genetics (formerly Invitae), Labcorp
Classification: Uncertain significance. Last evaluated: 2020-08-29. Review status: criteria provided, single submitter. Criteria: Invitae Variant Classification Sherloc (09022015). Collection method: clinical testing. Allele origin: germline.
Comment: This variant has not been reported in the literature in individuals with COL4A4-related conditions. In summary, the available evidence is currently insufficient to determine the role of this variant in disease. Therefore, it has been classified as a Variant of Uncertain Significance. This variant is an in-frame deletion of the genomic region encompassing exon(s) 43-44 of the COL4A4 gene. It preserves the integrity of the reading frame.

NC_000002.11:g.(?_227886744)_(227890546_?)del

Gene: COL4A4 (collagen type IV alpha 4 chain; minus strand). Cytogenetic location: 2q36.3.
Variant type: Deletion.
Identifiers: ClinVar variation 1006677 (VCV001006677.3).